The following is an entry in ClinVar:

ClinVar aggregate classification (germline): Pathogenic. Review status: criteria provided, multiple submitters, no conflicts (2 of 4 stars). 5 submissions from 5 submitters: Pathogenic (5). Last evaluated 2026-07-20.

Conditions:
PKD1-related disorder. Also called: PKD1-related condition.
Polycystic kidney disease, adult type (PKD1). Also called: Polycystic Kidney, Autosomal Dominant; Polycystic Kidney Disease 1, Autosomal Dominant; Polycystic kidney disease 1; Polycystic kidney disease 1, severe; POLYCYSTIC KIDNEY DISEASE, ADULT, TYPE I; POLYCYSTIC KIDNEY DISEASE 1 WITH OR WITHOUT POLYCYSTIC LIVER DISEASE. Identifiers: MedGen C3149841, MONDO:0008263, OMIM 173900.

Allele frequency attached by ClinVar (database versions not stated): gnomAD exomes below 0.00001.
gnomAD v4.1: 1 of 1,610,406 alleles (0.000062%); no homozygotes.

Submissions (5):

PreventionGenetics, part of Exact Sciences
Classification: Pathogenic for PKD1-related condition. Last evaluated: 2026-07-20. Review status: criteria provided, single submitter. Criteria: ACMG Guidelines, 2015. Collection method: clinical testing. Allele origin: germline.
Comment: The PKD1 c.4444C>T variant is predicted to result in premature protein termination (p.Gln1482*). This variant has been reported in individuals with polycystic kidney disease (Rossetti et al. 2012. PubMed ID: 22383692; Table S3 of Bleyer et al. 2022. PubMed ID: 35325889). This variant has not been reported in a large population database, indicating this variant is rare. Nonsense variants in PKD1 are expected to be pathogenic. This variant is interpreted as pathogenic.

Victorian Clinical Genetics Services, Murdoch Childrens Research Institute
Classification: Pathogenic for Polycystic kidney disease, adult type. Last evaluated: 2026-07-09. Review status: criteria provided, single submitter. Criteria: ACMG Guidelines, 2015. Collection method: clinical testing. Allele origin: germline. Affected: yes.
Comment: This variant is classified as Pathogenic. Evidence in support of pathogenic classification: Variant is predicted to cause nonsense-mediated decay (NMD) and loss of protein (premature termination codon is located at least 54 nucleotides upstream of the final exon-exon junction); Variant is absent from gnomAD (both v2 and v3); This variant has strong previous evidence of pathogenicity in unrelated individuals. This variant has been classified as pathogenic by three clinical laboratories in ClinVar, and has been observed in individuals with polycystic kidney disease (PMID: 22383692, 22508176); Many NMD-predicted variants comparable to the one identified in this case have very strong previous evidence for pathogenicity (DECIPHER). Additional information: This variant is heterozygous; This gene is associated with autosomal dominant disease. Polycystic kidney disease 1 (MIM#173900) is predominantly caused by monoallelic variants, with rare reports of biallelic variants causing disease (OMIM); Loss of function is a known mechanism of disease in this gene and is associated with polycystic kidney disease 1 (MIM#173900); Inheritance information for this variant is not currently available in this individual.

Women's Health and Genetics/Laboratory Corporation of America, LabCorp
Classification: Pathogenic for Polycystic kidney disease, adult type. Last evaluated: 2025-11-18. Review status: criteria provided, single submitter. Criteria: LabCorp Variant Classification Summary - May 2015. Collection method: clinical testing. Allele origin: germline.
Comment: Variant summary: PKD1 c.4444C>T (p.Gln1482X) results in a premature termination codon, predicted to cause absence of the protein due to nonsense mediated decay, which is a commonly known mechanism for disease. The frequency data for this variant in gnomAD is considered unreliable, as metrics indicate poor data quality at this position. c.4444C>T has been observed in individual(s) affected with Polycystic Kidney Disease 1 (e.g., Rossetti_2012). To our knowledge, no experimental evidence demonstrating an impact on protein function has been reported. The following publication has been ascertained in the context of this evaluation (PMID: 22383692). ClinVar contains an entry for this variant (Variation ID: 586276). Based on the evidence outlined above, the variant was classified as pathogenic.

Fulgent Genetics
Classification: Pathogenic for Polycystic kidney disease, adult type. Last evaluated: 2021-06-30. Review status: criteria provided, single submitter. Criteria: ACMG Guidelines, 2015. Collection method: clinical testing. Allele origin: unknown.
Comment: This variant has been detected in individual(s) who were sent for testing of Renasight - kidney gene panel.

Athena Diagnostics
Classification: Pathogenic. Last evaluated: 2018-05-21. Review status: criteria provided, single submitter. Criteria: Athena Diagnostics Criteria. Collection method: clinical testing. Allele origin: germline.

Literature cited by the submitters: PubMed 22508176 (cited by Victorian Clinical Genetics Services, Murdoch Childrens Research Institute); PubMed 22383692 (cited by 3 submitters); PubMed 21115670 (cited by Athena Diagnostics).

NM_001009944.3(PKD1):c.4444C>T (p.Gln1482Ter)

Gene: PKD1 (polycystin 1, transient receptor potential channel interacting; minus strand). Cytogenetic location: 16p13.3.
Variant type: single nucleotide variant.
Coding change: c.4444C>T on transcript NM_001009944.3 (MANE Select); coding-DNA position 4444, C replaced by T.
Protein change: p.Gln1482Ter; replaces glutamine 1482 with a stop codon.
Molecular consequence: nonsense.
Genome position (GRCh38, 1-based): chr16:2,110,723, G>A on the plus strand (C>T on the coding strand, the complement: PKD1 is on the minus strand). VCF-style: chr16-2110723-G-A. GRCh37 (hg19) VCF-style: chr16-2160724-G-A.
Other names: c.4444C>T, p.Gln1482Ter (NM_000296.4); short protein forms Q1482*.
Identifiers: ClinVar variation 586276 (VCV000586276.10), dbSNP rs1567200117, ClinGen allele CA394380328.